The following is an entry in ClinVar:

NM_005245.4(FAT1):c.9020C>T (p.Ala3007Val)

Genes: FAT1 (FAT atypical cadherin 1; minus strand), LOC126807255 (BRD4-independent group 4 enhancer GRCh37_chr4:187538202-187539401; plus strand). Cytogenetic location: 4q35.2.
Variant type: single nucleotide variant.
Coding change: c.9020C>T on transcript NM_005245.4 (MANE Select); coding-DNA position 9020, C replaced by T.
Protein change: p.Ala3007Val; replaces alanine 3007 with valine.
Molecular consequence: missense variant.
Genome position (GRCh38, 1-based): chr4:186,617,060, G>A on the plus strand (C>T on the coding strand, the complement: FAT1 is on the minus strand). VCF-style: chr4-186617060-G-A. GRCh37 (hg19) VCF-style: chr4-187538214-G-A.
Other names: c.9020C>T (NM_005245.3); short protein forms A3007V.
Identifiers: ClinVar variation 1920263 (VCV001920263.7), dbSNP rs750202307, ClinGen allele CA3165761.
Genomic context (GRCh38, chr4:186,617,060, plus strand): 5'-CTTACCTTTTCACAAACTGGACTGTTGTCATTTGCATCCAGAACTTTCACTTCAACTATC[G>A]CTTTTGATGAGAAGGTGCCATCAGTTGCCGTGATAGTAAGAAGGTAATTGTCCCTTTTTT-3'
Protein context (NP_005236.2, residues 2997-3017): TATDGTFSSK[Ala3007Val]IVEVKVLDAN

ClinVar aggregate classification (germline): Uncertain significance. Review status: criteria provided, multiple submitters, no conflicts (2 of 4 stars). 2 submissions from 2 submitters: Uncertain significance (2). Last evaluated 2024-12-02.

Conditions:
Inborn genetic diseases. Identifiers: MedGen C0950123, MeSH D030342.

Allele frequency attached by ClinVar (database versions not stated): TOPMed below 0.00001; ExAC 0.00001; gnomAD 0.00001; gnomAD exomes 0.00001.
gnomAD v4.1: 23 of 1,613,760 alleles (0.0014%); highest among the groups gnomAD compares: Admixed American, 0.0067%; no homozygotes.

Submissions (2):

Labcorp Genetics (formerly Invitae), Labcorp
Classification: Uncertain significance. Last evaluated: 2024-12-02. Review status: criteria provided, single submitter. Criteria: Invitae Variant Classification Sherloc (09022015). Collection method: clinical testing. Allele origin: germline.
Comment: This sequence change replaces alanine, which is neutral and non-polar, with valine, which is neutral and non-polar, at codon 3007 of the FAT1 protein (p.Ala3007Val). This variant is present in population databases (rs750202307, gnomAD 0.009%). This variant has not been reported in the literature in individuals affected with FAT1-related conditions. ClinVar contains an entry for this variant (Variation ID: 1920263). Invitae Evidence Modeling of protein sequence and biophysical properties (such as structural, functional, and spatial information, amino acid conservation, physicochemical variation, residue mobility, and thermodynamic stability) has been performed for this missense variant. However, the output from this modeling did not meet the statistical confidence thresholds required to predict the impact of this variant on FAT1 protein function. In summary, the available evidence is currently insufficient to determine the role of this variant in disease. Therefore, it has been classified as a Variant of Uncertain Significance.

Ambry Genetics
Classification: Uncertain significance for Inborn genetic diseases. Last evaluated: 2023-08-15. Review status: criteria provided, single submitter. Criteria: Ambry Variant Classification Scheme 2023. Collection method: clinical testing. Allele origin: germline.